The following is an entry in ClinVar:

NM_014915.3(ANKRD26):c.709+5G>C

Gene: ANKRD26 (ankyrin repeat domain containing 26; minus strand). Cytogenetic location: 10p12.1.
Variant type: single nucleotide variant.
Coding change: c.709+5G>C on transcript NM_014915.3 (MANE Select); 5 bases into the intron after coding-DNA position 709, G replaced by C.
Molecular consequence: intron variant.
Genome position (GRCh38, 1-based): chr10:27,086,534, C>G on the plus strand (G>C on the coding strand, the complement: ANKRD26 is on the minus strand). VCF-style: chr10-27086534-C-G. GRCh37 (hg19) VCF-style: chr10-27375463-C-G.
Other names: c.709+5G>C (NM_001256053.2).
Identifiers: ClinVar variation 3390815 (VCV003390815.1).

ClinVar aggregate classification (germline): Uncertain significance (1 of 4 stars; one submission).

gnomAD v4.1: 2 of 1,605,310 alleles (0.00012%); highest among the groups gnomAD compares: Non-Finnish European, 0.00017%; no homozygotes.

Submission:

GeneDx
Classification: Uncertain significance. Last evaluated: 2024-06-10. Review status: criteria provided, single submitter. Criteria: GeneDx Variant Classification Process June 2021. Collection method: clinical testing. Allele origin: germline. Affected: yes.
Comment: Not observed at significant frequency in large population cohorts (gnomAD); Has not been previously published as pathogenic or benign to our knowledge; In silico analysis is inconclusive as to whether the variant alters gene splicing. In the absence of RNA/functional studies, the actual effect of this sequence change is unknown.